The following is an entry in ClinVar:

ClinVar aggregate classification (germline): Likely benign. Review status: criteria provided, multiple submitters, no conflicts (2 of 4 stars). 2 submissions from 2 submitters: Likely benign (2). Last evaluated 2023-03-23.

Conditions:
Hereditary cancer-predisposing syndrome. Also called: Hereditary Cancer Syndrome; Hereditary neoplastic syndrome; Neoplastic Syndromes, Hereditary; Tumor predisposition. Identifiers: Orphanet 140162, MedGen C0027672, MeSH D009386, MONDO:0015356.

Submissions (2):

University of Washington Department of Laboratory Medicine, University of Washington
Classification: Likely benign for Hereditary cancer-predisposing syndrome. Last evaluated: 2023-03-23. Review status: criteria provided, single submitter. Criteria: Dines et al. (Genet Med. 2020). Collection method: curation. Allele origin: germline.
Comment: Missense variant in a coldspot region where missense variants are very unlikely to be pathogenic (PMID:31911673).

BRCA2 exon 11 coldspot. Reclassification based on statistical prior probability.

Ambry Genetics
Classification: Likely benign for Hereditary cancer-predisposing syndrome. Last evaluated: 2022-06-04. Review status: criteria provided, single submitter. Criteria: Ambry Variant Classification Scheme 2023. Collection method: clinical testing. Allele origin: germline.

NM_000059.4(BRCA2):c.6206T>C (p.Leu2069Ser)

Gene: BRCA2 (BRCA2 DNA repair associated; plus strand). Cytogenetic location: 13q13.1.
Variant type: single nucleotide variant.
Coding change: c.6206T>C on transcript NM_000059.4 (MANE Select); coding-DNA position 6206, T replaced by C.
Protein change: p.Leu2069Ser; replaces leucine 2069 with serine.
Molecular consequence: missense variant.
Genome position (GRCh38, 1-based): chr13:32,340,561, T>C. VCF-style: chr13-32340561-T-C. GRCh37 (hg19) VCF-style: chr13-32914698-T-C.
Other names: c.6206T>C, p.Leu2069Ser (NM_001406719.1, NM_001406720.1); short protein forms L2069S.
Identifiers: ClinVar variation 1752192 (VCV001752192.4), dbSNP rs80358859, ClinGen allele CA387788845.